The following is an entry in ClinVar:

ClinVar aggregate classification (germline): Uncertain significance (1 of 4 stars; one submission).

Submission:

Women's Health and Genetics/Laboratory Corporation of America, LabCorp
Classification: Uncertain significance. Last evaluated: 2025-04-21. Review status: criteria provided, single submitter. Criteria: LabCorp Variant Classification Summary - May 2015. Collection method: clinical testing. Allele origin: germline.
Comment: Variant summary: The variant involves the deletion of exon 2 in the AUTS2 gene. A presumed nomenclature of c.(309+1_310-1)_(522+1_523-1)del has been designated for the purposes of this classification. This Copy Number Variant (CNV) is predicted to result in an in-frame deletion within this gene. The variant was absent in 21694 control chromosomes. The available data on variant occurrences in the general population are insufficient to allow any conclusion about variant significance. An exon 2 deletion has been observed in at-least one individual with mild intellectual disability and this deletion was inherited from an apparently unaffected parent whose deletion was determined to have occurred de novo (example: Beunders_2013). These report(s) do not provide unequivocal conclusions about association of the variant with Autism Spectrum Disorder Due To AUTS2 Deficiency. To our knowledge, no experimental evidence demonstrating an impact on protein function has been reported. The following publication has been ascertained in the context of this evaluation (PMID: 23332918). ClinVar contains an entry for this variant (Variation ID: 3245908). Based on the evidence outlined above, the variant was classified as uncertain significance.

Literature cited by the submitters: PubMed 23332918.

NC_000007.13:g.(69064949_69364271)_(69364485_69583117)del

Gene: AUTS2 (activator of transcription and developmental regulator AUTS2; plus strand). Cytogenetic location: 7q11.22.
Variant type: Deletion.
Identifiers: ClinVar variation 3896140 (VCV003896140.2).